The following is an entry in ClinVar:

ClinVar aggregate classification (germline): Conflicting classifications of pathogenicity. Review status: criteria provided, conflicting classifications (1 of 4 stars). 5 submissions from 5 submitters: Uncertain significance (3); Likely benign (1). 1 of the submissions does not count toward it. Last evaluated 2025-11-27.

Conditions:
Inborn genetic diseases. Identifiers: MedGen C0950123, MeSH D030342.
TJP2-related disorder. Also called: TJP2-related condition.

Allele frequency attached by ClinVar (database versions not stated): gnomAD 0.00007 and 0.00008; TOPMed 0.00008; ESP Exome Variant Server 0.00023; 1000 Genomes Project 0.00040; 1000 Genomes Project 30x 0.00047.
gnomAD v4.1: 46 of 1,614,118 alleles (0.0028%); highest among the groups gnomAD compares: African/African-American, 0.025%; no homozygotes.

Submissions (5):

Ambry Genetics
Classification: Uncertain significance for Inborn genetic diseases. Last evaluated: 2025-11-27. Review status: criteria provided, single submitter. Criteria: Ambry Variant Classification Scheme 2023. Collection method: clinical testing. Allele origin: germline.

CeGaT Center for Human Genetics Tuebingen
Classification: Likely benign. Last evaluated: 2022-08-01. Review status: criteria provided, single submitter. Criteria: CeGaT Center For Human Genetics Tuebingen Variant Classification Criteria Version 2. Collection method: clinical testing. Allele origin: germline. Affected: yes. Observed: 1 variant allele.
Comment: TJP2: BP4

Labcorp Genetics (formerly Invitae), Labcorp
Classification: Uncertain significance. Last evaluated: 2022-07-25. Review status: criteria provided, single submitter. Criteria: Invitae Variant Classification Sherloc (09022015). Collection method: clinical testing. Allele origin: germline.
Comment: In summary, the available evidence is currently insufficient to determine the role of this variant in disease. Therefore, it has been classified as a Variant of Uncertain Significance. Algorithms developed to predict the effect of missense changes on protein structure and function are either unavailable or do not agree on the potential impact of this missense change (SIFT: "Deleterious"; PolyPhen-2: "Benign"; Align-GVGD: "Class C0"). ClinVar contains an entry for this variant (Variation ID: 598038). This variant has not been reported in the literature in individuals affected with TJP2-related conditions. This variant is present in population databases (rs142847960, gnomAD 0.04%). This sequence change replaces proline, which is neutral and non-polar, with leucine, which is neutral and non-polar, at codon 71 of the TJP2 protein (p.Pro71Leu).

Eurofins Ntd Llc (ga)
Classification: Uncertain significance. Last evaluated: 2018-07-16. Review status: criteria provided, single submitter. Criteria: EGL ClinVar v180209 classification definitions. Collection method: clinical testing. Allele origin: germline. Observed: 1 variant allele, 1 heterozygote.

PreventionGenetics, part of Exact Sciences
Classification: Uncertain significance for TJP2-related condition. Last evaluated: 2024-03-13. Review status: no assertion criteria provided. Collection method: clinical testing. Allele origin: germline. Not counted in ClinVar's aggregate classification.
Comment: The TJP2 c.212C>T variant is predicted to result in the amino acid substitution p.Pro71Leu. To our knowledge, this variant has not been reported in the literature. This variant is reported in 0.036% of alleles in individuals of African descent in gnomAD. At this time, the clinical significance of this variant is uncertain due to the absence of conclusive functional and genetic evidence.

NM_004817.4(TJP2):c.212C>T (p.Pro71Leu)

Gene: TJP2 (tight junction protein 2; plus strand). Cytogenetic location: 9q21.11.
Variant type: single nucleotide variant.
Coding change: c.212C>T on transcript NM_004817.4 (MANE Select); coding-DNA position 212, C replaced by T.
Protein change: p.Pro71Leu; replaces proline 71 with leucine.
Molecular consequence: missense variant.
Genome position (GRCh38, 1-based): chr9:69,216,436, C>T. VCF-style: chr9-69216436-C-T. GRCh37 (hg19) VCF-style: chr9-71831352-C-T.
Other names: c.143C>T, p.Pro48Leu (NM_001170414.2, NM_001369870.1, NM_001369871.1); c.224C>T, p.Pro75Leu (NM_001170415.1, NM_001369874.1, NM_001369875.1); c.305C>T, p.Pro102Leu (NM_001170416.2); c.212C>T, p.Pro71Leu (NM_001369872.1, NM_001369873.1, NM_201629.3 and 1 more transcripts); c.212C>T (NM_004817.3); short protein forms P71L, P102L, P75L, P48L.
Identifiers: ClinVar variation 598038 (VCV000598038.39), dbSNP rs142847960, ClinGen allele CA5072931.